The following is an entry in ClinVar:

ClinVar aggregate classification (germline): Uncertain significance (1 of 4 stars; one submission).

Submission:

Labcorp Genetics (formerly Invitae), Labcorp
Classification: Uncertain significance. Last evaluated: 2025-03-04. Review status: criteria provided, single submitter. Criteria: Invitae Variant Classification Sherloc (09022015). Collection method: clinical testing. Allele origin: germline.
Comment: This sequence change disrupts the translational stop signal of the FZD5 mRNA. It is expected to extend the length of the FZD5 protein by 88 additional amino acid residues. This variant is not present in population databases (gnomAD no frequency). This variant has not been reported in the literature in individuals affected with FZD5-related conditions. Experimental studies and prediction algorithms are not available or were not evaluated, and the functional significance of this variant is currently unknown. In summary, the available evidence is currently insufficient to determine the role of this variant in disease. Therefore, it has been classified as a Variant of Uncertain Significance.

NM_003468.4(FZD5):c.1758G>T (p.Ter586Tyr)

Gene: FZD5 (frizzled class receptor 5; minus strand). Cytogenetic location: 2q33.3.
Variant type: single nucleotide variant.
Coding change: c.1758G>T on transcript NM_003468.4 (MANE Select); coding-DNA position 1758, G replaced by T.
Protein change: p.Ter586Tyr.
Molecular consequence: stop lost.
Genome position (GRCh38, 1-based): chr2:207,766,982, C>A on the plus strand (G>T on the coding strand, the complement: FZD5 is on the minus strand). VCF-style: chr2-207766982-C-A. GRCh37 (hg19) VCF-style: chr2-208631706-C-A.
Identifiers: ClinVar variation 4714263 (VCV004714263.1).